The following is an entry in ClinVar:

ClinVar aggregate classification (germline): Uncertain significance (1 of 4 stars; one submission).

Submission:

Labcorp Genetics (formerly Invitae), Labcorp
Classification: Uncertain significance. Last evaluated: 2022-06-09. Review status: criteria provided, single submitter. Criteria: Invitae Variant Classification Sherloc (09022015). Collection method: clinical testing. Allele origin: germline.
Comment: This variant is not present in population databases (gnomAD no frequency). In summary, the available evidence is currently insufficient to determine the role of this variant in disease. Therefore, it has been classified as a Variant of Uncertain Significance. Advanced modeling of protein sequence and biophysical properties (such as structural, functional, and spatial information, amino acid conservation, physicochemical variation, residue mobility, and thermodynamic stability) performed at Invitae indicates that this missense variant is not expected to disrupt BEST1 protein function. This variant has not been reported in the literature in individuals affected with BEST1-related conditions. This sequence change replaces methionine, which is neutral and non-polar, with arginine, which is basic and polar, at codon 524 of the BEST1 protein (p.Met524Arg).

NM_004183.4(BEST1):c.1571T>G (p.Met524Arg)

Gene: BEST1 (bestrophin 1; plus strand). Cytogenetic location: 11q12.3.
Variant type: single nucleotide variant.
Coding change: c.1571T>G on transcript NM_004183.4 (MANE Select); coding-DNA position 1571, T replaced by G.
Protein change: p.Met524Arg; replaces methionine 524 with arginine.
Molecular consequence: missense variant. On other transcripts: non-coding transcript variant (1).
Genome position (GRCh38, 1-based): chr11:61,962,725, T>G. VCF-style: chr11-61962725-T-G. GRCh37 (hg19) VCF-style: chr11-61730197-T-G.
Other names: c.1391T>G, p.Met464Arg (NM_001139443.3, NM_001300787.2); c.1310T>G, p.Met437Arg (NM_001300786.2); c.1253T>G, p.Met418Arg (NM_001363591.3); c.*466T>G (NM_001363592.2); c.599T>G, p.Met200Arg (NM_001363593.3); short protein forms M200R, M464R, M524R, M418R, M437R.
Identifiers: ClinVar variation 1954494 (VCV001954494.5), dbSNP rs145209035, ClinGen allele CA380849670.